The following is an entry in ClinVar:

NM_020778.5(ALPK3):c.-32G>C

Gene: ALPK3 (alpha kinase 3; plus strand). Cytogenetic location: 15q25.3.
Variant type: single nucleotide variant.
Coding change: c.-32G>C on transcript NM_020778.5 (MANE Select); 32 bases upstream of the start codon, G replaced by C.
Molecular consequence: 5 prime UTR variant.
Genome position (GRCh38, 1-based): chr15:84,817,421, G>C. VCF-style: chr15-84817421-G-C. GRCh37 (hg19) VCF-style: chr15-85360652-G-C.
Identifiers: ClinVar variation 3711039 (VCV003711039.2).

ClinVar aggregate classification (germline): Uncertain significance (1 of 4 stars; one submission).

Submission:

Labcorp Genetics (formerly Invitae), Labcorp
Classification: Uncertain significance. Last evaluated: 2024-12-12. Review status: criteria provided, single submitter. Criteria: Invitae Variant Classification Sherloc (09022015). Collection method: clinical testing. Allele origin: germline.
Comment: This sequence change replaces serine, which is neutral and polar, with threonine, which is neutral and polar, at codon 192 of the ALPK3 protein (p.Ser192Thr). This variant is not present in population databases (gnomAD no frequency). This variant has not been reported in the literature in individuals affected with ALPK3-related conditions. An algorithm developed to predict the effect of missense changes on protein structure and function (PolyPhen-2) suggests that this variant is likely to be tolerated. In summary, the available evidence is currently insufficient to determine the role of this variant in disease. Therefore, it has been classified as a Variant of Uncertain Significance.